The following is an entry in ClinVar:

ClinVar aggregate classification (germline): Uncertain significance (1 of 4 stars; one submission).

Conditions:
Idiopathic generalized epilepsy. Also called: EIG; Generalised epilepsy. Identifiers: MedGen C0270850, MONDO:0005579, OMIM 600669.
Hyperaldosteronism, familial, type IV (HALD4). Also called: FH IV; ALDOSTERONISM, PRIMARY, AND HYPERTENSION. Identifiers: Orphanet 642671, MedGen C4310756, MONDO:0014875, OMIM 617027.

gnomAD v4.1: 3 of 1,545,828 alleles (0.00019%); highest among the groups gnomAD compares: Admixed American, 0.0022%; no homozygotes.

Submission:

Labcorp Genetics (formerly Invitae), Labcorp
Classification: Uncertain significance for Idiopathic generalized epilepsy; Hyperaldosteronism, familial, type IV. Last evaluated: 2025-07-31. Review status: criteria provided, single submitter. Criteria: Invitae Variant Classification Sherloc (09022015). Collection method: clinical testing. Allele origin: germline.
Comment: This sequence change replaces alanine, which is neutral and non-polar, with valine, which is neutral and non-polar, at codon 2178 of the CACNA1H protein (p.Ala2178Val). This variant is not present in population databases (gnomAD no frequency). This variant has not been reported in the literature in individuals affected with CACNA1H-related conditions. Invitae Evidence Modeling of protein sequence and biophysical properties (such as structural, functional, and spatial information, amino acid conservation, physicochemical variation, residue mobility, and thermodynamic stability) indicates that this missense variant is not expected to disrupt CACNA1H protein function with a negative predictive value of 80%. In summary, the available evidence is currently insufficient to determine the role of this variant in disease. Therefore, it has been classified as a Variant of Uncertain Significance.

NM_021098.3(CACNA1H):c.6533C>T (p.Ala2178Val)

Gene: CACNA1H (calcium voltage-gated channel subunit alpha1 H; plus strand). Cytogenetic location: 16p13.3.
Variant type: single nucleotide variant.
Coding change: c.6533C>T on transcript NM_021098.3 (MANE Select); coding-DNA position 6533, C replaced by T.
Protein change: p.Ala2178Val; replaces alanine 2178 with valine.
Molecular consequence: missense variant.
Genome position (GRCh38, 1-based): chr16:1,220,465, C>T. VCF-style: chr16-1220465-C-T. GRCh37 (hg19) VCF-style: chr16-1270465-C-T.
Other names: c.6515C>T, p.Ala2172Val (NM_001005407.2); short protein forms A2172V, A2178V.
Identifiers: ClinVar variation 4786757 (VCV004786757.1).